The following is an entry in ClinVar:

NM_000136.3(FANCC):c.397C>T (p.Leu133Phe)

Gene: FANCC (FA complementation group C; minus strand). Cytogenetic location: 9q22.32.
Variant type: single nucleotide variant.
Coding change: c.397C>T on transcript NM_000136.3 (MANE Select); coding-DNA position 397, C replaced by T.
Protein change: p.Leu133Phe; replaces leucine 133 with phenylalanine.
Molecular consequence: missense variant.
Genome position (GRCh38, 1-based): chr9:95,172,096, G>A on the plus strand (C>T on the coding strand, the complement: FANCC is on the minus strand). VCF-style: chr9-95172096-G-A. GRCh37 (hg19) VCF-style: chr9-97934378-G-A.
Other names: p.L133F:CTT>TTT; c.397C>T, p.Leu133Phe (NM_001243743.2, NM_001243744.2); short protein forms L133F.
Identifiers: ClinVar variation 127542 (VCV000127542.16), dbSNP rs587779906, ClinGen allele CA287216.

ClinVar aggregate classification (germline): Uncertain significance. Review status: criteria provided, multiple submitters, no conflicts (2 of 4 stars). 4 submissions from 4 submitters: Uncertain significance (3). 1 of the submissions does not count toward it. Last evaluated 2025-08-25.

Conditions:
Hereditary cancer-predisposing syndrome. Also called: Hereditary Cancer Syndrome; Hereditary neoplastic syndrome; Tumor predisposition; Neoplastic Syndromes, Hereditary. Identifiers: Orphanet 140162, MedGen C0027672, MeSH D009386, MONDO:0015356.
Fanconi anemia (FA). Also called: Fanconi's anemia. Identifiers: Orphanet 84, MedGen C0015625, MeSH D005199, MONDO:0019391.
Fanconi anemia complementation group C (FANCC). Also called: FANCONI PANCYTOPENIA, TYPE 3; FACC; FANCC-Related Fanconi Anemia; Fanconi anemia, group C. Identifiers: Orphanet 84, MedGen C3468041, MONDO:0009213, OMIM 227645.

Allele frequency attached by ClinVar (database versions not stated): gnomAD exomes below 0.00001; gnomAD 0.00001; TOPMed 0.00001.
gnomAD v4.1: 2 of 1,613,330 alleles (0.00012%); highest among the groups gnomAD compares: Non-Finnish European, 0.00017%; no homozygotes.

Submissions (4):

GeneDx
Classification: Uncertain significance. Last evaluated: 2025-08-25. Review status: criteria provided, single submitter. Criteria: GeneDx Variant Classification Process June 2021. Collection method: clinical testing. Allele origin: germline. Affected: yes.
Comment: Not observed at significant frequency in large population cohorts (gnomAD); In silico analysis suggests that this missense variant does not alter protein structure/function; Has not been previously published as pathogenic or benign to our knowledge

Labcorp Genetics (formerly Invitae), Labcorp
Classification: Uncertain significance for Fanconi anemia. Last evaluated: 2023-10-04. Review status: criteria provided, single submitter. Criteria: Invitae Variant Classification Sherloc (09022015). Collection method: clinical testing. Allele origin: germline.
Comment: This sequence change replaces leucine, which is neutral and non-polar, with phenylalanine, which is neutral and non-polar, at codon 133 of the FANCC protein (p.Leu133Phe). This variant is not present in population databases (gnomAD no frequency). This variant has not been reported in the literature in individuals affected with FANCC-related conditions. ClinVar contains an entry for this variant (Variation ID: 127542). Advanced modeling of protein sequence and biophysical properties (such as structural, functional, and spatial information, amino acid conservation, physicochemical variation, residue mobility, and thermodynamic stability) performed at Invitae indicates that this missense variant is not expected to disrupt FANCC protein function. In summary, the available evidence is currently insufficient to determine the role of this variant in disease. Therefore, it has been classified as a Variant of Uncertain Significance.

Ambry Genetics
Classification: Uncertain significance for Hereditary cancer-predisposing syndrome. Last evaluated: 2022-12-11. Review status: criteria provided, single submitter. Criteria: Ambry Variant Classification Scheme 2023. Collection method: clinical testing. Allele origin: germline.
Comment: The p.L133F variant (also known as c.397C>T), located in coding exon 4 of the FANCC gene, results from a C to T substitution at nucleotide position 397. The leucine at codon 133 is replaced by phenylalanine, an amino acid with highly similar properties. This amino acid position is not well conserved in available vertebrate species. In addition, this alteration is predicted to be tolerated by in silico analysis. Since supporting evidence is limited at this time, the clinical significance of this alteration remains unclear.

Natera, Inc.
Classification: Uncertain significance for Fanconi anemia, group C. Last evaluated: 2020-09-16. Review status: no assertion criteria provided. Collection method: clinical testing. Allele origin: germline. Not counted in ClinVar's aggregate classification.